The following is an entry in ClinVar:

NC_000022.11:g.40346474C>A

Gene: ADSL (adenylosuccinate lyase; plus strand). Cytogenetic location: 22q13.1.
Variant type: single nucleotide variant.
Genome position: GRCh38 VCF-style: chr22-40346474-C-A. GRCh37 (hg19) VCF-style: chr22-40742478-C-A.
Identifiers: ClinVar variation 1415107 (VCV001415107.6), dbSNP rs2146611525, ClinGen allele CA2573158358.

ClinVar aggregate classification (germline): Uncertain significance (1 of 4 stars; one submission).

Conditions:
Adenylosuccinate lyase deficiency (ADSLD). Also called: ADSL DEFICIENCY. Identifiers: Orphanet 46, MedGen C0268126, MONDO:0007068, OMIM 103050.

Submission:

Labcorp Genetics (formerly Invitae), Labcorp
Classification: Uncertain significance for Adenylosuccinate lyase deficiency. Last evaluated: 2020-11-25. Review status: criteria provided, single submitter. Criteria: Invitae Variant Classification Sherloc (09022015). Collection method: clinical testing. Allele origin: germline.
Comment: In summary, the available evidence is currently insufficient to determine the role of this variant in disease. Therefore, it has been classified as a Variant of Uncertain Significance. This variant has not been reported in the literature in individuals with ADSL-related conditions. The frequency data for this variant in the population databases is considered unreliable, as metrics indicate insufficient coverage at this position in the ExAC database. This variant occurs in a non-coding region of the ADSL gene. It does not change the encoded amino acid sequence of the ADSL protein.